The following is an entry in ClinVar:

NM_145868.2(ANXA11):c.832A>G (p.Ile278Val)

Gene: ANXA11 (annexin A11; minus strand). Cytogenetic location: 10q22.3.
Variant type: single nucleotide variant.
Coding change: c.832A>G on transcript NM_145868.2 (MANE Select); coding-DNA position 832, A replaced by G.
Protein change: p.Ile278Val; replaces isoleucine 278 with valine.
Molecular consequence: missense variant.
Genome position (GRCh38, 1-based): chr10:80,166,110, T>C on the plus strand (A>G on the coding strand, the complement: ANXA11 is on the minus strand). VCF-style: chr10-80166110-T-C. GRCh37 (hg19) VCF-style: chr10-81925866-T-C.
Other names: p.Ile278Val; c.832A>G, p.Ile278Val (NM_001157.3, NM_001278407.2, NM_001278408.2 and 1 more transcripts); c.733A>G, p.Ile245Val (NM_001278409.2); c.832A>G (NM_145869.1); short protein forms I245V, I278V.
Identifiers: ClinVar variation 1606169 (VCV001606169.36), dbSNP rs72807973, ClinGen allele CA5576111.

ClinVar aggregate classification (germline): Benign/Likely benign. Review status: criteria provided, multiple submitters, no conflicts (2 of 4 stars). 6 submissions from 6 submitters: Benign (3); Likely benign (2). 1 of the submissions does not count toward it. Last evaluated 2026-09-01.

Conditions:
ANXA11-related disorder. Also called: ANXA11-related condition.

Allele frequency attached by ClinVar (database versions not stated): 1000 Genomes Project 0.00240; 1000 Genomes Project 30x 0.00297; ExAC 0.00300; gnomAD exomes 0.00312 and 0.00480; ESP Exome Variant Server 0.00377; TOPMed 0.00397; gnomAD 0.00398 and 0.00403.
gnomAD v4.1: 7,605 of 1,609,744 alleles (0.47%); highest among the groups gnomAD compares: Non-Finnish European, 0.56%; 29 homozygotes.

Submissions (6):

CeGaT Center for Human Genetics Tuebingen
Classification: Likely benign. Last evaluated: 2026-09-01. Review status: criteria provided, single submitter. Criteria: CeGaT Center For Human Genetics Tuebingen Variant Classification Criteria Version 2. Collection method: clinical testing. Allele origin: germline. Affected: yes. Observed: 7 variant alleles.
Comment: ANXA11: BP4, BS2

Labcorp Genetics (formerly Invitae), Labcorp
Classification: Benign. Last evaluated: 2026-01-25. Review status: criteria provided, single submitter. Criteria: Invitae Variant Classification Sherloc (09022015). Collection method: clinical testing. Allele origin: germline.

Blueprint Genetics
Classification: Likely benign. Last evaluated: 2024-11-26. Review status: criteria provided, single submitter. Criteria: ACMG Guidelines, 2015. Collection method: clinical testing. Allele origin: germline.

Mayo Clinic Laboratories, Mayo Clinic
Classification: Benign. Last evaluated: 2024-09-06. Review status: criteria provided, single submitter. Criteria: ACMG Guidelines, 2015. Collection method: clinical testing. Allele origin: germline. Observed: 8 variant alleles.
Comment: BS1, BS2, BP4

Breakthrough Genomics
Classification: Benign. Review status: criteria provided, single submitter. Criteria: ACMG Guidelines, 2015. Collection method: not provided. Allele origin: germline. Inheritance: Autosomal dominant inheritance. Affected: yes.

PreventionGenetics, part of Exact Sciences
Classification: Benign for ANXA11-related condition. Last evaluated: 2019-08-14. Review status: no assertion criteria provided. Collection method: clinical testing. Allele origin: germline. Not counted in ClinVar's aggregate classification.
Comment: This variant is classified as benign based on ACMG/AMP sequence variant interpretation guidelines (Richards et al. 2015 PMID: 25741868, with internal and published modifications).

Literature cited by the submitters: PubMed 28889094 (cited by Mayo Clinic Laboratories, Mayo Clinic); PubMed 36226077 (cited by Mayo Clinic Laboratories, Mayo Clinic).